The following is an entry in ClinVar:

ClinVar aggregate classification (germline): Conflicting classifications of pathogenicity. Review status: criteria provided, conflicting classifications (1 of 4 stars). 4 submissions from 4 submitters: Uncertain significance (3); Likely benign (1). Last evaluated 2025-12-10.

Conditions:
Inborn genetic diseases. Identifiers: MedGen C0950123, MeSH D030342.
Ullrich congenital muscular dystrophy 2 (UCMD2). Identifiers: Orphanet 75840, MedGen C4225314, MONDO:0014654, OMIM 616470.
Bethlem myopathy 2 (BTHLM2). Identifiers: Orphanet 536516, Orphanet 610, MedGen C4225313, MONDO:0034022, OMIM 616471.

Allele frequency attached by ClinVar (database versions not stated): gnomAD exomes 0.00003 and 0.00006; ExAC 0.00004; gnomAD 0.00005 and 0.00006; TOPMed 0.00009; ESP Exome Variant Server 0.00017.
gnomAD v4.1: 48 of 1,613,838 alleles (0.003%); highest among the groups gnomAD compares: Admixed American, 0.017%; no homozygotes.

Submissions (4):

Women's Health and Genetics/Laboratory Corporation of America, LabCorp
Classification: Uncertain significance. Last evaluated: 2025-12-10. Review status: criteria provided, single submitter. Criteria: LabCorp Variant Classification Summary - May 2015. Collection method: clinical testing. Allele origin: germline.
Comment: Variant summary: COL12A1 c.2746A>G (p.Ile916Val) results in a conservative amino acid change located in the Fibronectin type 3 domain (IPR003961) of the encoded protein sequence. Algorithms developed to predict the effect of missense changes on protein structure and function are either unavailable or do not agree on the potential impact of this missense change. The variant allele was found at a frequency of 6e-05 in 249114 control chromosomes. This frequency is not significantly higher than estimated for disease-causing variants in COL12A1, allowing no conclusion about variant significance. To our knowledge, no occurrence of c.2746A>G in individuals affected with COL12A1-related conditions and no experimental evidence demonstrating its impact on protein function have been reported. ClinVar contains an entry for this variant (Variation ID: 1058225). Based on the evidence outlined above, the variant was classified as uncertain significance.

Labcorp Genetics (formerly Invitae), Labcorp
Classification: Likely benign for Bethlem myopathy 2; Ullrich congenital muscular dystrophy 2. Last evaluated: 2025-11-17. Review status: criteria provided, single submitter. Criteria: Invitae Variant Classification Sherloc (09022015). Collection method: clinical testing. Allele origin: germline.

CeGaT Center for Human Genetics Tuebingen
Classification: Uncertain significance. Last evaluated: 2025-09-01. Review status: criteria provided, single submitter. Criteria: CeGaT Center For Human Genetics Tuebingen Variant Classification Criteria Version 2. Collection method: clinical testing. Allele origin: germline. Affected: yes. Observed: 1 variant allele.
Comment: COL12A1: PM2, BP4

Ambry Genetics
Classification: Uncertain significance for Inborn genetic diseases. Last evaluated: 2024-08-15. Review status: criteria provided, single submitter. Criteria: Ambry Variant Classification Scheme 2023. Collection method: clinical testing. Allele origin: germline.

NM_004370.6(COL12A1):c.2746A>G (p.Ile916Val)

Gene: COL12A1 (collagen type XII alpha 1 chain; minus strand). Cytogenetic location: 6q13.
Variant type: single nucleotide variant.
Coding change: c.2746A>G on transcript NM_004370.6 (MANE Select); coding-DNA position 2746, A replaced by G.
Protein change: p.Ile916Val; replaces isoleucine 916 with valine.
Molecular consequence: missense variant. On other transcripts: intron variant (1).
Genome position (GRCh38, 1-based): chr6:75,165,744, T>C on the plus strand (A>G on the coding strand, the complement: COL12A1 is on the minus strand). VCF-style: chr6-75165744-T-C. GRCh37 (hg19) VCF-style: chr6-75875460-T-C.
Other names: c.74-13262A>G (NM_080645.3); c.2746A>G (NM_004370.5); short protein forms I916V.
Identifiers: ClinVar variation 1058225 (VCV001058225.20), dbSNP rs200819563, ClinGen allele CA3893881.
Genomic context (GRCh38, chr6:75,165,744, plus strand): 5'-TGTAACCGCGAACCATTCCTGGAGCAGATGTCCAATAAGCCCCAATTGATGTGTCAGTGA[T>C]GTCTTTAGTAACTAAATCTTGAGGAGAACCACGTTCTAGAACAGAAATTAAAAGGGAATC-3'
Protein context (NP_004361.3, residues 906-926): GSPQDLVTKD[Ile916Val]TDTSIGAYWT